The following is an entry in ClinVar:

NC_000007.13:g.(?_87042913)_(87043053_?)del

Gene: ABCB4 (ATP binding cassette subfamily B member 4; minus strand). Cytogenetic location: 7q21.12.
Variant type: Deletion.
Identifiers: ClinVar variation 1454966 (VCV001454966.4).

ClinVar aggregate classification (germline): Pathogenic (1 of 4 stars; one submission).

Submission:

Labcorp Genetics (formerly Invitae), Labcorp
Classification: Pathogenic. Last evaluated: 2021-09-06. Review status: criteria provided, single submitter. Criteria: Invitae Variant Classification Sherloc (09022015). Collection method: clinical testing. Allele origin: germline.
Comment: For these reasons, this variant has been classified as Pathogenic. This variant has not been reported in the literature in individuals affected with ABCB4-related conditions. This variant is a gross deletion of the genomic region encompassing exon(s) 22 of the ABCB4 gene. This deletion is out-of-frame, and is expected to create a premature termination codon and result in an absent or disrupted protein product. Loss-of-function variants in ABCB4 are known to be pathogenic (PMID: 17726488, 25755532).

Literature cited by the submitters: PubMed 17726488; PubMed 25755532.